The following is an entry in ClinVar:

ClinVar aggregate classification (germline): Uncertain significance (1 of 4 stars; one submission).

Submission:

Labcorp Genetics (formerly Invitae), Labcorp
Classification: Uncertain significance. Last evaluated: 2025-03-24. Review status: criteria provided, single submitter. Criteria: Invitae Variant Classification Sherloc (09022015). Collection method: clinical testing. Allele origin: germline.
Comment: This sequence change replaces aspartic acid, which is acidic and polar, with glutamic acid, which is acidic and polar, at codon 807 of the VAV1 protein (p.Asp807Glu). This variant is not present in population databases (gnomAD no frequency). This variant has not been reported in the literature in individuals affected with VAV1-related conditions. An algorithm developed to predict the effect of missense changes on protein structure and function (PolyPhen-2) suggests that this variant is likely to be disruptive. In summary, the available evidence is currently insufficient to determine the role of this variant in disease. Therefore, it has been classified as a Variant of Uncertain Significance.

NM_005428.4(VAV1):c.2421C>A (p.Asp807Glu)

Gene: VAV1 (vav guanine nucleotide exchange factor 1; plus strand). Cytogenetic location: 19p13.3.
Variant type: single nucleotide variant.
Coding change: c.2421C>A on transcript NM_005428.4 (MANE Select); coding-DNA position 2421, C replaced by A.
Protein change: p.Asp807Glu; replaces aspartic acid 807 with glutamic acid.
Molecular consequence: missense variant.
Genome position (GRCh38, 1-based): chr19:6,854,035, C>A. VCF-style: chr19-6854035-C-A. GRCh37 (hg19) VCF-style: chr19-6854046-C-A.
Other names: c.2355C>A, p.Asp785Glu (NM_001258206.2); c.2325C>A, p.Asp775Glu (NM_001258207.2); short protein forms D775E, D807E, D785E.
Identifiers: ClinVar variation 4715812 (VCV004715812.1).
Genomic context (GRCh38, chr19:6,854,035, plus strand): 5'-CAAAGCCCGCTATGACTTCTGCGCCCGAGACCGATCAGAGCTGTCGCTCAAGGAGGGTGA[C>A]ATCATCAAGATCCTTAACAAGAAGGGACAGCAAGGCTGGTGGCGAGGGGAGATCTATGGC-3'
Protein context (NP_005419.2, residues 797-817): DRSELSLKEG[Asp807Glu]IIKILNKKGQ